The following is an entry in ClinVar:

NM_000465.4(BARD1):c.1233C>T (p.Pro411=)

Gene: BARD1 (BRCA1 associated RING domain 1; minus strand). Cytogenetic location: 2q35.
Variant type: single nucleotide variant.
Coding change: c.1233C>T on transcript NM_000465.4 (MANE Select); coding-DNA position 1233, C replaced by T.
Protein change: p.Pro411=; no amino-acid change (proline 411 retained).
Molecular consequence: synonymous variant. On other transcripts: non-coding transcript variant (2), intron variant (3).
Genome position (GRCh38, 1-based): chr2:214,780,641, G>A on the plus strand (C>T on the coding strand, the complement: BARD1 is on the minus strand). VCF-style: chr2-214780641-G-A. GRCh37 (hg19) VCF-style: chr2-215645365-G-A.
Other names: c.1176C>T, p.Pro392= (NM_001282543.2); c.159-28086C>T (NM_001282548.2); c.215+16420C>T (NM_001282545.2); c.364+11656C>T (NM_001282549.2).
Identifiers: ClinVar variation 186922 (VCV000186922.17), dbSNP rs752186689, ClinGen allele CA196246.

ClinVar aggregate classification (germline): Benign/Likely benign. Review status: criteria provided, multiple submitters, no conflicts (2 of 4 stars). 3 submissions from 3 submitters: Benign (1); Likely benign (2). Last evaluated 2025-05-19.

Conditions:
Hereditary cancer-predisposing syndrome. Also called: Neoplastic Syndromes, Hereditary; Tumor predisposition; Hereditary Cancer Syndrome; Hereditary neoplastic syndrome. Identifiers: Orphanet 140162, MedGen C0027672, MeSH D009386, MONDO:0015356.
Familial cancer of breast. Also called: BREAST CANCER, FAMILIAL; Hereditary breast cancer; hereditary breast carcinoma. Identifiers: Orphanet 227535, MedGen C0346153, MONDO:0016419, OMIM 114480. Disease mechanism: loss of function.

Allele frequency attached by ClinVar (database versions not stated): gnomAD exomes below 0.00001; ExAC 0.00001.
gnomAD v4.1: 4 of 1,614,068 alleles (0.00025%); highest among the groups gnomAD compares: Non-Finnish European, 0.00025%; no homozygotes.

Submissions (3):

Labcorp Genetics (formerly Invitae), Labcorp
Classification: Likely benign for Familial cancer of breast. Last evaluated: 2025-05-19. Review status: criteria provided, single submitter. Criteria: Invitae Variant Classification Sherloc (09022015). Collection method: clinical testing. Allele origin: germline.

Myriad Genetics, Inc.
Classification: Benign for Familial cancer of breast. Last evaluated: 2024-07-24. Review status: criteria provided, single submitter. Criteria: Myriad Autosomal Dominant, Autosomal Recessive and X-Linked Classification Criteria (2023). Collection method: clinical testing. Allele origin: unknown.
Comment: This variant is considered benign. This variant is a silent/synonymous amino acid change and it is not expected to impact splicing.

Ambry Genetics
Classification: Likely benign for Hereditary cancer-predisposing syndrome. Last evaluated: 2014-11-05. Review status: criteria provided, single submitter. Criteria: Ambry Variant Classification Scheme 2023. Collection method: clinical testing. Allele origin: germline.